The following is an entry in ClinVar:

ClinVar aggregate classification (germline): Uncertain significance. Review status: criteria provided, multiple submitters, no conflicts (2 of 4 stars). 3 submissions from 3 submitters: Uncertain significance (3). Last evaluated 2024-09-08.

Conditions:
Hereditary cancer-predisposing syndrome. Also called: Neoplastic Syndromes, Hereditary; Hereditary Cancer Syndrome; Tumor predisposition; Hereditary neoplastic syndrome. Identifiers: Orphanet 140162, MedGen C0027672, MeSH D009386, MONDO:0015356.
Familial adenomatous polyposis 1 (FAP1). Also called: FAMILIAL ADENOMATOUS POLYPOSIS 1, ATTENUATED; POLYPOSIS, ADENOMATOUS INTESTINAL. Identifiers: MedGen C2713442, MONDO:0021056, OMIM 175100. Disease mechanism: loss of function.

Allele frequency attached by ClinVar (database versions not stated): gnomAD exomes below 0.00001.
gnomAD v4.1: 1 of 1,614,174 alleles (0.000062%); highest among the groups gnomAD compares: South Asian, 0.0011%; no homozygotes.

Submissions (3):

Ambry Genetics
Classification: Uncertain significance for Hereditary cancer-predisposing syndrome. Last evaluated: 2024-09-08. Review status: criteria provided, single submitter. Criteria: Ambry Variant Classification Scheme 2023. Collection method: clinical testing. Allele origin: germline.
Comment: The p.K1226E variant (also known as c.3676A>G), located in coding exon 15 of the APC gene, results from an A to G substitution at nucleotide position 3676. The lysine at codon 1226 is replaced by glutamic acid, an amino acid with similar properties. This amino acid position is conserved. In addition, in silico predictors for this gene do not accurately predict pathogenicity. Based on the available evidence, the clinical significance of this variant remains unclear.

Color Diagnostics, LLC DBA Color Health
Classification: Uncertain significance for Hereditary cancer-predisposing syndrome. Last evaluated: 2023-12-05. Review status: criteria provided, single submitter. Criteria: ACMG Guidelines, 2015. Collection method: clinical testing. Allele origin: germline.
Comment: This missense variant replaces lysine with glutamic acid at codon 1226 of the APC protein. Computational prediction tools and conservation analyses are inconclusive regarding the impact of this variant on the protein function. Computational splicing tools suggest that this variant may not impact RNA splicing. To our knowledge, functional assays have not been performed for this variant nor has this variant been reported in individuals affected with hereditary cancer in the literature. This variant has not been identified in the general population by the Genome Aggregation Database (gnomAD). Available evidence is insufficient to determine the role of this variant in disease conclusively. Therefore, this variant is classified as a Variant of Uncertain Significance.

Labcorp Genetics (formerly Invitae), Labcorp
Classification: Uncertain significance for Familial adenomatous polyposis 1. Last evaluated: 2021-09-01. Review status: criteria provided, single submitter. Criteria: Invitae Variant Classification Sherloc (09022015). Collection method: clinical testing. Allele origin: germline.
Comment: This sequence change replaces lysine with glutamic acid at codon 1226 of the APC protein (p.Lys1226Glu). The lysine residue is highly conserved and there is a small physicochemical difference between lysine and glutamic acid. This variant is not present in population databases (ExAC no frequency). This variant has not been reported in the literature in individuals affected with APC-related conditions. ClinVar contains an entry for this variant (Variation ID: 928064). Algorithms developed to predict the effect of missense changes on protein structure and function (SIFT, PolyPhen-2, Align-GVGD) all suggest that this variant is likely to be tolerated. In summary, the available evidence is currently insufficient to determine the role of this variant in disease. Therefore, it has been classified as a Variant of Uncertain Significance.

NM_000038.6(APC):c.3676A>G (p.Lys1226Glu)

Gene: APC (APC regulator of Wnt signaling pathway; plus strand). Cytogenetic location: 5q22.2.
Variant type: single nucleotide variant.
Coding change: c.3676A>G on transcript NM_000038.6 (MANE Select); coding-DNA position 3676, A replaced by G.
Protein change: p.Lys1226Glu; replaces lysine 1226 with glutamic acid.
Molecular consequence: missense variant.
Genome position (GRCh38, 1-based): chr5:112,839,270, A>G. VCF-style: chr5-112839270-A-G. GRCh37 (hg19) VCF-style: chr5-112174967-A-G.
Other names: c.3676A>G, p.Lys1226Glu (NM_001127510.3, NM_001354895.2); c.3622A>G, p.Lys1208Glu (NM_001127511.3); c.3730A>G, p.Lys1244Glu (NM_001354896.2); c.3706A>G, p.Lys1236Glu (NM_001354897.2); c.3601A>G, p.Lys1201Glu (NM_001354898.2); c.3592A>G, p.Lys1198Glu (NM_001354899.2); c.3553A>G, p.Lys1185Glu (NM_001354900.2); c.3499A>G, p.Lys1167Glu (NM_001354901.2); and 5 more; short protein forms K1066E, K1125E, K1135E, K1167E, K1185E, K1208E, K1244E, K1226E.
Identifiers: ClinVar variation 928064 (VCV000928064.11), dbSNP rs1765491326, ClinGen allele CA16029400.